The following is an entry in ClinVar:

NM_006767.4(LZTR1):c.95A>G (p.His32Arg)

Genes: LZTR1 (leucine zipper like post translational regulator 1; plus strand), LOC130067016 (ATAC-STARR-seq lymphoblastoid silent region 13504; plus strand). Cytogenetic location: 22q11.21.
Variant type: single nucleotide variant.
Coding change: c.95A>G on transcript NM_006767.4 (MANE Select); coding-DNA position 95, A replaced by G.
Protein change: p.His32Arg; replaces histidine 32 with arginine.
Molecular consequence: missense variant.
Genome position (GRCh38, 1-based): chr22:20,982,466, A>G. VCF-style: chr22-20982466-A-G. GRCh37 (hg19) VCF-style: chr22-21336755-A-G.
Other names: short protein forms H32R.
Identifiers: ClinVar variation 4615589 (VCV004615589.1).

ClinVar aggregate classification (germline): Uncertain significance (1 of 4 stars; one submission).

Conditions:
Cardiovascular phenotype. Identifiers: MedGen CN230736.
Hereditary cancer-predisposing syndrome. Also called: Neoplastic Syndromes, Hereditary; Tumor predisposition; Hereditary Cancer Syndrome; Hereditary neoplastic syndrome. Identifiers: Orphanet 140162, MedGen C0027672, MeSH D009386, MONDO:0015356.

gnomAD v4.1: 1 of 1,608,612 alleles (0.000062%); highest among the groups gnomAD compares: South Asian, 0.0011%; no homozygotes.

Submission:

Ambry Genetics
Classification: Uncertain significance for Cardiovascular phenotype; Hereditary cancer-predisposing syndrome. Last evaluated: 2025-10-12. Review status: criteria provided, single submitter. Criteria: Ambry Variant Classification Scheme 2023. Collection method: clinical testing. Allele origin: germline.
Comment: The p.H32R variant (also known as c.95A>G), located in coding exon 1 of the LZTR1 gene, results from an A to G substitution at nucleotide position 95. The histidine at codon 32 is replaced by arginine, an amino acid with highly similar properties. This amino acid position is conserved. In addition, the in silico prediction for this alteration is inconclusive. Based on the available evidence, the clinical significance of this variant remains unclear.